The following is an entry in ClinVar:

NM_006593.4(TBR1):c.367A>T (p.Met123Leu)

Gene: TBR1 (T-box brain transcription factor 1; plus strand). Cytogenetic location: 2q24.2.
Variant type: single nucleotide variant.
Coding change: c.367A>T on transcript NM_006593.4 (MANE Select); coding-DNA position 367, A replaced by T.
Protein change: p.Met123Leu; replaces methionine 123 with leucine.
Molecular consequence: missense variant.
Genome position (GRCh38, 1-based): chr2:161,416,777, A>T. VCF-style: chr2-161416777-A-T. GRCh37 (hg19) VCF-style: chr2-162273288-A-T.
Other names: short protein forms M123L.
Identifiers: ClinVar variation 3371507 (VCV003371507.1).

ClinVar aggregate classification (germline): Uncertain significance (1 of 4 stars; one submission).

Submission:

GeneDx
Classification: Uncertain significance. Last evaluated: 2024-03-24. Review status: criteria provided, single submitter. Criteria: GeneDx Variant Classification Process June 2021. Collection method: clinical testing. Allele origin: germline. Affected: yes.
Comment: Not observed at significant frequency in large population cohorts (gnomAD); In silico analysis supports that this missense variant does not alter protein structure/function; Has not been previously published as pathogenic or benign to our knowledge